The following is an entry in ClinVar:

NM_004260.4(RECQL4):c.166G>T (p.Gly56Cys)

Genes: RECQL4 (RecQ like helicase 4; minus strand), LOC130001411 (ATAC-STARR-seq lymphoblastoid silent region 19699; plus strand). Cytogenetic location: 8q24.3.
Variant type: single nucleotide variant.
Coding change: c.166G>T on transcript NM_004260.4 (MANE Select); coding-DNA position 166, G replaced by T.
Protein change: p.Gly56Cys; replaces glycine 56 with cysteine.
Molecular consequence: missense variant.
Genome position (GRCh38, 1-based): chr8:144,517,461, C>A on the plus strand (G>T on the coding strand, the complement: RECQL4 is on the minus strand). VCF-style: chr8-144517461-C-A. GRCh37 (hg19) VCF-style: chr8-145742845-C-A.
Other names: short protein forms G56C.
Identifiers: ClinVar variation 641859 (VCV000641859.7), dbSNP rs777837612, ClinGen allele CA372692641.

ClinVar aggregate classification (germline): Uncertain significance. Review status: criteria provided, multiple submitters, no conflicts (2 of 4 stars). 2 submissions from 2 submitters: Uncertain significance (2). Last evaluated 2025-11-24.

Conditions:
Baller-Gerold syndrome (BGS). Also called: CRANIOSYNOSTOSIS WITH RADIAL DEFECTS. Identifiers: Orphanet 1225, MedGen C0265308, MONDO:0009039, OMIM 218600.
Inborn genetic diseases. Identifiers: MedGen C0950123, MeSH D030342.

gnomAD v4.1: 3 of 1,595,404 alleles (0.00019%); highest among the groups gnomAD compares: Non-Finnish European, 0.000085%; no homozygotes.

Submissions (2):

Ambry Genetics
Classification: Uncertain significance for Inborn genetic diseases. Last evaluated: 2025-11-24. Review status: criteria provided, single submitter. Criteria: Ambry Variant Classification Scheme 2023. Collection method: clinical testing. Allele origin: germline.
Comment: The p.G56C variant (also known as c.166G>T), located in coding exon 3 of the RECQL4 gene, results from a G to T substitution at nucleotide position 166. The glycine at codon 56 is replaced by cysteine, an amino acid with highly dissimilar properties. This amino acid position is conserved. In addition, this alteration is predicted to be tolerated by in silico analysis. Based on the available evidence, the clinical significance of this variant remains unclear.

Labcorp Genetics (formerly Invitae), Labcorp
Classification: Uncertain significance for Baller-Gerold syndrome. Last evaluated: 2024-04-10. Review status: criteria provided, single submitter. Criteria: Invitae Variant Classification Sherloc (09022015). Collection method: clinical testing. Allele origin: germline.
Comment: This sequence change replaces glycine, which is neutral and non-polar, with cysteine, which is neutral and slightly polar, at codon 56 of the RECQL4 protein (p.Gly56Cys). This variant is not present in population databases (gnomAD no frequency). This variant has not been reported in the literature in individuals affected with RECQL4-related conditions. ClinVar contains an entry for this variant (Variation ID: 641859). Experimental studies and prediction algorithms are not available or were not evaluated, and the functional significance of this variant is currently unknown. In summary, the available evidence is currently insufficient to determine the role of this variant in disease. Therefore, it has been classified as a Variant of Uncertain Significance.